The following is an entry in ClinVar:

ClinVar aggregate classification (germline): Uncertain significance. Review status: criteria provided, multiple submitters, no conflicts (2 of 4 stars). 3 submissions from 3 submitters: Uncertain significance (3). Last evaluated 2025-10-17.

Conditions:
Mullerian aplasia and hyperandrogenism. Also called: MULLERIAN DUCT FAILURE AND HYPERANDROGENISM. Identifiers: Orphanet 247768, MedGen C2675014, MONDO:0008019, OMIM 158330.
SERKAL syndrome (SERKAL). Also called: 46,XX SEX REVERSAL WITH DYSGENESIS OF KIDNEYS, ADRENALS, AND LUNGS. Identifiers: Orphanet 139466, MedGen C2678492, MONDO:0012734, OMIM 611812.

Allele frequency attached by ClinVar (database versions not stated): ESP Exome Variant Server 0.00008; gnomAD 0.00011; TOPMed 0.00016; ExAC 0.00023.
gnomAD v4.1: 552 of 1,613,690 alleles (0.034%); highest among the groups gnomAD compares: Non-Finnish European, 0.045%; no homozygotes.

Submissions (3):

Labcorp Genetics (formerly Invitae), Labcorp
Classification: Uncertain significance. Last evaluated: 2025-10-17. Review status: criteria provided, single submitter. Criteria: Invitae Variant Classification Sherloc (09022015). Collection method: clinical testing. Allele origin: germline.
Comment: This sequence change replaces tyrosine, which is neutral and polar, with histidine, which is basic and polar, at codon 80 of the WNT4 protein (p.Tyr80His). This variant is present in population databases (rs201024257, gnomAD 0.03%). This variant has not been reported in the literature in individuals affected with WNT4-related conditions. ClinVar contains an entry for this variant (Variation ID: 1971047). Invitae Evidence Modeling of protein sequence and biophysical properties (such as structural, functional, and spatial information, amino acid conservation, physicochemical variation, residue mobility, and thermodynamic stability) indicates that this missense variant is not expected to disrupt WNT4 protein function with a negative predictive value of 80%. In summary, the available evidence is currently insufficient to determine the role of this variant in disease. Therefore, it has been classified as a Variant of Uncertain Significance.

Fulgent Genetics
Classification: Uncertain significance for Mullerian aplasia and hyperandrogenism; SERKAL syndrome. Last evaluated: 2024-06-17. Review status: criteria provided, single submitter. Criteria: ACMG Guidelines, 2015. Collection method: clinical testing. Allele origin: germline.

Department of Pathology and Laboratory Medicine, Sinai Health System
Classification: Uncertain significance for Mullerian aplasia and hyperandrogenism; SERKAL syndrome. Last evaluated: 2021-11-23. Review status: criteria provided, single submitter. Criteria: ACMG Guidelines, 2015. Collection method: research. Allele origin: germline.

NM_030761.5(WNT4):c.238T>C (p.Tyr80His)

Gene: WNT4 (Wnt family member 4; minus strand). Cytogenetic location: 1p36.12.
Variant type: single nucleotide variant.
Coding change: c.238T>C on transcript NM_030761.5 (MANE Select); coding-DNA position 238, T replaced by C.
Protein change: p.Tyr80His; replaces tyrosine 80 with histidine.
Molecular consequence: missense variant.
Genome position (GRCh38, 1-based): chr1:22,129,691, A>G on the plus strand (T>C on the coding strand, the complement: WNT4 is on the minus strand). VCF-style: chr1-22129691-A-G. GRCh37 (hg19) VCF-style: chr1-22456184-A-G.
Other names: short protein forms Y80H.
Identifiers: ClinVar variation 1971047 (VCV001971047.7), dbSNP rs201024257, ClinGen allele CA675489.